The following is an entry in ClinVar:

NM_000070.3(CAPN3):c.315T>G (p.Ile105Met)

Gene: CAPN3 (calpain 3; plus strand). Cytogenetic location: 15q15.1.
Variant type: single nucleotide variant.
Coding change: c.315T>G on transcript NM_000070.3 (MANE Select); coding-DNA position 315, T replaced by G.
Protein change: p.Ile105Met; replaces isoleucine 105 with methionine.
Molecular consequence: missense variant.
Genome position (GRCh38, 1-based): chr15:42,384,488, T>G. VCF-style: chr15-42384488-T-G. GRCh37 (hg19) VCF-style: chr15-42676686-T-G.
Other names: c.315T>G, p.Ile105Met (NM_024344.2, NM_173087.2); short protein forms I105M.
Identifiers: ClinVar variation 4745235 (VCV004745235.1).

ClinVar aggregate classification (germline): Uncertain significance (1 of 4 stars; one submission).

Conditions:
Autosomal recessive limb-girdle muscular dystrophy type 2A (LGMDR1). Also called: Muscular dystrophy, limb-girdle, type 2A, Amish; LEYDEN-MOEBIUS MUSCULAR DYSTROPHY; MUSCULAR DYSTROPHY, PELVOFEMORAL; Limb-girdle muscular dystrophy, type 2A; Calpainopathy. Identifiers: Orphanet 267, MedGen C1869123, MONDO:0009675, OMIM 253600. Disease mechanism: loss of function.

Submission:

Labcorp Genetics (formerly Invitae), Labcorp
Classification: Uncertain significance for Autosomal recessive limb-girdle muscular dystrophy type 2A. Last evaluated: 2025-03-07. Review status: criteria provided, single submitter. Criteria: Invitae Variant Classification Sherloc (09022015). Collection method: clinical testing. Allele origin: germline.
Comment: This sequence change replaces isoleucine, which is neutral and non-polar, with methionine, which is neutral and non-polar, at codon 105 of the CAPN3 protein (p.Ile105Met). This variant is not present in population databases (gnomAD no frequency). This variant has not been reported in the literature in individuals affected with CAPN3-related conditions. Invitae Evidence Modeling of protein sequence and biophysical properties (such as structural, functional, and spatial information, amino acid conservation, physicochemical variation, residue mobility, and thermodynamic stability) has been performed for this missense variant. However, the output from this modeling did not meet the statistical confidence thresholds required to predict the impact of this variant on CAPN3 protein function. In summary, the available evidence is currently insufficient to determine the role of this variant in disease. Therefore, it has been classified as a Variant of Uncertain Significance.